The following is an entry in ClinVar:

ClinVar aggregate classification (germline): Uncertain significance (1 of 4 stars; one submission).

gnomAD v4.1: 1 of 1,614,186 alleles (0.000062%); highest among the groups gnomAD compares: East Asian, 0.0022%; no homozygotes.

Submission:

Ambry Genetics
Classification: Uncertain significance. Last evaluated: 2025-03-17. Review status: criteria provided, single submitter. Criteria: Ambry Variant Classification Scheme 2023. Collection method: clinical testing. Allele origin: germline.
Comment: The p.H696L variant (also known as c.2087A>T), located in coding exon 21 of the KIF1B gene, results from an A to T substitution at nucleotide position 2087. The histidine at codon 696 is replaced by leucine, an amino acid with similar properties. This amino acid position is conserved. In addition, the in silico prediction for this alteration is inconclusive. Based on the available evidence, the clinical significance of this variant remains unclear.

NM_001365951.3(KIF1B):c.2225A>T (p.His742Leu)

Gene: KIF1B (kinesin family member 1B; plus strand). Cytogenetic location: 1p36.22.
Variant type: single nucleotide variant.
Coding change: c.2225A>T on transcript NM_001365951.3 (MANE Select); coding-DNA position 2225, A replaced by T.
Protein change: p.His742Leu; replaces histidine 742 with leucine.
Molecular consequence: missense variant.
Genome position (GRCh38, 1-based): chr1:10,321,724, A>T. VCF-style: chr1-10321724-A-T. GRCh37 (hg19) VCF-style: chr1-10381782-A-T.
Other names: c.2225A>T, p.His742Leu (NM_001365952.1); c.2087A>T, p.His696Leu (NM_015074.3); short protein forms H742L, H696L.
Identifiers: ClinVar variation 4043073 (VCV004043073.1).